The following is an entry in ClinVar:

NM_000441.2(SLC26A4):c.2229A>G (p.Leu743=)

Gene: SLC26A4 (solute carrier family 26 member 4; plus strand). Cytogenetic location: 7q22.3.
Variant type: single nucleotide variant.
Coding change: c.2229A>G on transcript NM_000441.2 (MANE Select); coding-DNA position 2229, A replaced by G.
Protein change: p.Leu743=; no amino-acid change (leucine 743 retained).
Molecular consequence: synonymous variant.
Genome position (GRCh38, 1-based): chr7:107,710,193, A>G. VCF-style: chr7-107710193-A-G. GRCh37 (hg19) VCF-style: chr7-107350638-A-G.
Other names: c.2229A>G (NM_000441.1).
Identifiers: ClinVar variation 1091741 (VCV001091741.10), dbSNP rs755270319, ClinGen allele CA4433083.

ClinVar aggregate classification (germline): Likely benign. Review status: criteria provided, multiple submitters, no conflicts (2 of 4 stars). 2 submissions from 2 submitters: Likely benign (2). Last evaluated 2025-05-14.

Conditions:
SLC26A4-related disorder. Also called: SLC26A4-related disorders; SLC26A4-related condition.

Allele frequency attached by ClinVar (database versions not stated): gnomAD 0.00001; gnomAD exomes 0.00001 and 0.00006; TOPMed 0.00003; ExAC 0.00004.
gnomAD v4.1: 15 of 1,597,822 alleles (0.00094%); highest among the groups gnomAD compares: Admixed American, 0.023%; no homozygotes.

Submissions (2):

PreventionGenetics, part of Exact Sciences
Classification: Likely benign for SLC26A4-related condition. Last evaluated: 2025-05-14. Review status: criteria provided, single submitter. Criteria: ACMG Guidelines, 2015. Collection method: clinical testing. Allele origin: germline.
Comment: This variant is classified as likely benign based on ACMG/AMP sequence variant interpretation guidelines (Richards et al. 2015 PMID: 25741868, with internal and published modifications).

Labcorp Genetics (formerly Invitae), Labcorp
Classification: Likely benign. Last evaluated: 2024-10-27. Review status: criteria provided, single submitter. Criteria: Invitae Variant Classification Sherloc (09022015). Collection method: clinical testing. Allele origin: germline.